The following is an entry in ClinVar:

NM_001282225.2(ADA2):c.1303C>G (p.Pro435Ala)

Gene: ADA2 (adenosine deaminase 2; minus strand). Cytogenetic location: 22q11.1.
Variant type: single nucleotide variant.
Coding change: c.1303C>G on transcript NM_001282225.2 (MANE Select); coding-DNA position 1303, C replaced by G.
Protein change: p.Pro435Ala; replaces proline 435 with alanine.
Molecular consequence: missense variant.
Genome position (GRCh38, 1-based): chr22:17,181,959, G>C on the plus strand (C>G on the coding strand, the complement: ADA2 is on the minus strand). VCF-style: chr22-17181959-G-C. GRCh37 (hg19) VCF-style: chr22-17662849-G-C.
Other names: c.1303C>G, p.Pro435Ala (NM_001282226.2); c.1177C>G, p.Pro393Ala (NM_001282227.2, NM_001282228.2); c.943C>G, p.Pro315Ala (NM_001282229.2); c.580C>G, p.Pro194Ala (NM_177405.3); short protein forms P393A, P435A, P194A, P315A.
Identifiers: ClinVar variation 784887 (VCV000784887.12), dbSNP rs186147069, ClinGen allele CA10087900.
Genomic context (GRCh38, chr22:17,181,959, plus strand): 5'-AATCATAGGACAAGCCTTTGGCACCAAACATAGCTGGGTCATCAGAGCTGATCACCATGG[G>C]GTGCCCAGTGGCCATCAGAGTGGCTACAGGGTGGTTCCTCAAGTCAGACACCAGTTTCAG-3'
Protein context (NP_001269154.1, residues 425-445): PVATLMATGH[Pro435Ala]MVISSDDPAM

ClinVar aggregate classification (germline): Conflicting classifications of pathogenicity. Review status: criteria provided, conflicting classifications (1 of 4 stars). 2 submissions from 2 submitters: Uncertain significance (1); Likely benign (1). Last evaluated 2026-01-22.

Conditions:
Deficiency of adenosine deaminase 2. Also called: Adenosine Deaminase 2 Deficiency; VASCULITIS, AUTOINFLAMMATION, IMMUNODEFICIENCY, AND HEMATOLOGIC DEFECTS SYNDROME; Polyarteritis nodosa, childhoood-onset. Identifiers: Orphanet 404553, MedGen C3887654, MONDO:0014306, OMIM 615688, MONDO:0100317.
ADA2-related disorder. Also called: ADA2-related condition.

Allele frequency attached by ClinVar (database versions not stated): gnomAD 0.00005; gnomAD exomes 0.00012 and 0.00063; 1000 Genomes Project 30x 0.00016; 1000 Genomes Project 0.00020; TOPMed 0.00022; ExAC 0.00044.
gnomAD v4.1: 187 of 1,614,142 alleles (0.012%); highest among the groups gnomAD compares: Admixed American, 0.3%; no homozygotes.

Submissions (2):

Labcorp Genetics (formerly Invitae), Labcorp
Classification: Likely benign for Deficiency of adenosine deaminase 2. Last evaluated: 2026-01-22. Review status: criteria provided, single submitter. Criteria: Invitae Variant Classification Sherloc (09022015). Collection method: clinical testing. Allele origin: germline.

3billion
Classification: Uncertain significance for ADA2-related disorder. Last evaluated: 2025-12-18. Review status: criteria provided, single submitter. Criteria: ACMG Guidelines, 2015. Collection method: clinical testing. Allele origin: germline. Affected: yes.
Comment: The variant is observed at an extremely low frequency in the gnomAD v4.1.0 dataset (total allele frequency: 0.012%). Predicted Consequence/Location: Missense variant In silico tool predictions suggest damaging effect of the variant on gene or gene product [REVEL: 0.71 (>=0.6, sensitivity 0.68 and specificity 0.92); 3Cnet: 0.86 (> 0.75, sensitivity 0.96 and precision 0.92)]. The variant has been reported as benign without evidence for the classification (ClinVar ID: VCV000784887). Therefore, this variant is classified as VUS according to the recommendation of ACMG/AMP guideline.